The following is an entry in ClinVar:

ClinVar aggregate classification (germline): Pathogenic (1 of 4 stars; one submission).

Conditions:
Cutis laxa, autosomal dominant 3 (ADCL3). Identifiers: Orphanet 90348, MedGen C4225268, MONDO:0014706, OMIM 616603.
Autosomal dominant spastic paraplegia type 9. Identifiers: MedGen C1832669, MONDO:0015091.
de Barsy syndrome. Also called: Cutis laxa-corneal clouding-oligophrenia syndrome. Identifiers: Orphanet 2962, MedGen C0268354, MONDO:0017569.

Submission:

Labcorp Genetics (formerly Invitae), Labcorp
Classification: Pathogenic for Autosomal dominant spastic paraplegia type 9; de Barsy syndrome; Cutis laxa, autosomal dominant 3. Last evaluated: 2023-06-27. Review status: criteria provided, single submitter. Criteria: Invitae Variant Classification Sherloc (09022015). Collection method: clinical testing. Allele origin: germline.
Comment: For these reasons, this variant has been classified as Pathogenic. Algorithms developed to predict the effect of sequence changes on RNA splicing suggest that this variant may disrupt the consensus splice site. This variant has not been reported in the literature in individuals affected with ALDH18A1-related conditions. This variant is not present in population databases (gnomAD no frequency). This sequence change creates a premature translational stop signal (p.Arg602Glufs*18) in the ALDH18A1 gene. It is expected to result in an absent or disrupted protein product. Loss-of-function variants in ALDH18A1 are known to be pathogenic (PMID: 21739576, 24913064, 28567303, 28604674, 29915212).

Literature cited by the submitters: PubMed 21739576; PubMed 24913064; PubMed 28567303; PubMed 28604674; PubMed 29915212.

NM_002860.4(ALDH18A1):c.1804del (p.Arg602fs)

Gene: ALDH18A1 (aldehyde dehydrogenase 18 family member A1; minus strand). Cytogenetic location: 10q24.1.
Variant type: Deletion.
Coding change: c.1804del on transcript NM_002860.4 (MANE Select); coding-DNA position 1804, one base deleted (A; older notation c.1804delA).
Protein change: p.Arg602fs; shifts the reading frame from arginine 602.
Molecular consequence: frameshift variant.
Genome position (GRCh38, 1-based): chr10:95,613,861, T deleted on the plus strand (A on the coding strand, the reverse complement: ALDH18A1 is on the minus strand). VCF-style (leftmost placement, unchanged base first): chr10-95613860-CT-C. GRCh37 (hg19) VCF-style: chr10-97373617-CT-C.
Other names: c.1798del, p.Arg600fs (NM_001017423.2, NM_001323415.2); c.1471del, p.Arg491fs (NM_001323412.2, NM_001323416.2); c.1465del, p.Arg489fs (NM_001323418.2); c.1168del, p.Arg390fs (NM_001323419.2); c.1699del, p.Arg567fs (NM_001323417.2); c.1804del, p.Arg602fs (NM_001323413.2, NM_001323414.2); short protein forms R491fs, R567fs, R602fs, R390fs, R489fs, R600fs.
Identifiers: ClinVar variation 2949341 (VCV002949341.3), dbSNP rs2526726489, ClinGen allele CA2740093484.